The following is an entry in ClinVar:

ClinVar aggregate classification (germline): Conflicting classifications of pathogenicity. Review status: criteria provided, conflicting classifications (1 of 4 stars). 2 submissions from 2 submitters: Uncertain significance (1); Likely benign (1). Last evaluated 2026-01-24.

Conditions:
ACADM-related disorder. Also called: ACADM-related condition.
Medium-chain acyl-coenzyme A dehydrogenase deficiency (ACADMD). Also called: CARNITINE DEFICIENCY SECONDARY TO MEDIUM-CHAIN ACYL-CoA DEHYDROGENASE DEFICIENCY; MCADH DEFICIENCY; ACADM DEFICIENCY; MCADD; Medium chain acyl-CoA dehydrogenase deficiency; MCAD Deficiency. Identifiers: Orphanet 42, MedGen C0220710, MONDO:0008721, OMIM 201450.

gnomAD v4.1: 219 of 1,612,584 alleles (0.014%); highest among the groups gnomAD compares: Non-Finnish European, 0.018%; no homozygotes.

Submissions (2):

PreventionGenetics, part of Exact Sciences
Classification: Uncertain significance for ACADM-related condition. Last evaluated: 2026-01-24. Review status: criteria provided, single submitter. Criteria: ACMG Guidelines, 2015. Collection method: clinical testing. Allele origin: germline.
Comment: The ACADM c.382C>A variant is predicted to result in the amino acid substitution p.Leu128Ile. To our knowledge, this variant has not been reported in the literature. This variant is reported in 0.017% of alleles in individuals of European (Non-Finnish) descent in gnomAD. At this time, the clinical significance of this variant is uncertain due to the absence of conclusive functional and genetic evidence.

ARUP Laboratories, Molecular Genetics and Genomics, ARUP Laboratories
Classification: Likely benign for Medium-chain acyl-coenzyme A dehydrogenase deficiency. Last evaluated: 2025-01-14. Review status: criteria provided, single submitter. Criteria: ARUP Molecular Germline Variant Investigation Process 2024. Collection method: clinical testing. Allele origin: germline.

NM_000016.6(ACADM):c.286+224C>A

Gene: ACADM (acyl-CoA dehydrogenase medium chain; plus strand). Cytogenetic location: 1p31.1.
Variant type: single nucleotide variant.
Coding change: c.286+224C>A on transcript NM_000016.6 (MANE Select); 224 bases into the intron after coding-DNA position 286, C replaced by A.
Molecular consequence: intron variant. On other transcripts: missense variant (1).
Genome position (GRCh38, 1-based): chr1:75,733,146, C>A. VCF-style: chr1-75733146-C-A. GRCh37 (hg19) VCF-style: chr1-76198831-C-A.
Other names: c.382C>A, p.Leu128Ile (NM_001286043.2); c.298+224C>A (NM_001127328.3); c.178+224C>A (NM_001286042.2); c.-100+224C>A (NM_001286044.2); c.382C>A (NM_001286043.1); short protein forms L128I.
Identifiers: ClinVar variation 4685991 (VCV004685991.2).
Genomic context (GRCh38, chr1:75,733,146, plus strand): 5'-CTATACCTAGATGCGTTTTTCCTTCTTCTAACTGGTTCCAACCTTAACTTGCACCTAAAC[C>A]TTGGTAACTTCCGTTTCTAGAGTTGGTCAATTTGTTGTGTTTTATTCCTATCTTCTATAT-3'